The following is an entry in ClinVar:

NM_000202.8(IDS):c.614C>A (p.Ala205Asp)

Genes: IDS (iduronate 2-sulfatase; minus strand), LOC106050102 (IDS recombination region; plus strand). Cytogenetic location: Xq28.
Variant type: single nucleotide variant.
Coding change: c.614C>A on transcript NM_000202.8 (MANE Select); coding-DNA position 614, C replaced by A.
Protein change: p.Ala205Asp; replaces alanine 205 with aspartic acid.
Molecular consequence: missense variant. On other transcripts: non-coding transcript variant (1).
Genome position (GRCh38, 1-based): chrX:149,498,201, G>T on the plus strand (C>A on the coding strand, the complement: IDS is on the minus strand). VCF-style: chrX-149498201-G-T. GRCh37 (hg19) VCF-style: chrX-148579732-G-T.
Other names: c.344C>A, p.Ala115Asp (NM_001166550.4); c.614C>A, p.Ala205Asp (NM_006123.5); short protein forms A115D, A205D.
Identifiers: ClinVar variation 3255781 (VCV003255781.2).

ClinVar aggregate classification (germline): Pathogenic (1 of 4 stars; one submission).

Conditions:
Mucopolysaccharidosis, MPS-II (MPS2). Also called: Hunter Syndrome; IDURONATE 2-SULFATASE DEFICIENCY; Mucopolysaccharidosis Type II; Mucopolysaccharidosis type 2; Attenuated MPS (subtype; formerly known as mild MPS II); Severe MPS II. Identifiers: Orphanet 580, Orphanet 79388, MedGen C0026705, MONDO:0010674, OMIM 309900.

Submission:

Laboratory of Diagnosis and Therapy of Lysosomal Disorders, University of Padova
Classification: Pathogenic for Mucopolysaccharidosis, MPS-II. Last evaluated: 2024-06-07. Review status: criteria provided, single submitter. Criteria: ACMG Guidelines, 2015. Collection method: literature only. Allele origin: germline. Affected: yes. Observed: 2 variant alleles.
Comment: Absent from controls (or at low frequency) in gnomAD database (PM2_Moderate), Missense change at the same amino acid residue as a pathogenic variant (PM5_Moderate), Missense variant in a gene with a low rate of benign missense variation (PP2_Supporting), Multiple lines of computational evidence support a deleterious effect (PP3_Supporting), Patient’s phenotype or family history highly specific for the disease (PP4_Strong)

Classification method: ACMG Guidelines [PMID:25741868] with modifications

Literature cited by the submitters: PubMed 33960103; PubMed 27246110.